The following is an entry in ClinVar:

NM_016507.4(CDK12):c.3170T>A (p.Val1057Asp)

Gene: CDK12 (cyclin dependent kinase 12; plus strand). Cytogenetic location: 17q12.
Variant type: single nucleotide variant.
Coding change: c.3170T>A on transcript NM_016507.4 (MANE Select); coding-DNA position 3170, T replaced by A.
Protein change: p.Val1057Asp; replaces valine 1057 with aspartic acid.
Molecular consequence: missense variant.
Genome position (GRCh38, 1-based): chr17:39,524,748, T>A. VCF-style: chr17-39524748-T-A. GRCh37 (hg19) VCF-style: chr17-37681001-T-A.
Other names: c.3170T>A, p.Val1057Asp (NM_015083.4); short protein forms V1057D.
Identifiers: ClinVar variation 3999422 (VCV003999422.1).
Genomic context (GRCh38, chr17:39,524,748, plus strand): 5'-AGGATTGCCATGAGTTGTGGAGTAAGAAACGGCGACGTCAGCGACAAAGTGGTGTTGTAG[T>A]CGAAGAGCCACCTCCATCCAAAACTTCTCGAAAAGAAACTACCTCAGGGACAAGTACTGA-3'
Protein context (NP_057591.2, residues 1047-1067): RRRQRQSGVV[Val1057Asp]EEPPPSKTSR

ClinVar aggregate classification (germline): Uncertain significance (1 of 4 stars; one submission).

gnomAD v4.1: 1 of 1,614,154 alleles (0.000062%); highest among the groups gnomAD compares: Non-Finnish European, 0.000085%; no homozygotes.

Submission:

Ambry Genetics
Classification: Uncertain significance. Last evaluated: 2025-05-03. Review status: criteria provided, single submitter. Criteria: Ambry Variant Classification Scheme 2023. Collection method: clinical testing. Allele origin: germline.
Comment: The p.V1057D variant (also known as c.3170T>A), located in coding exon 12 of the CDK12 gene, results from a T to A substitution at nucleotide position 3170. The valine at codon 1057 is replaced by aspartic acid, an amino acid with highly dissimilar properties. This amino acid position is conserved. In addition, this alteration is predicted to be tolerated by in silico analysis. Based on the available evidence, the clinical significance of this variant remains unclear.